The following is an entry in ClinVar:

ClinVar aggregate classification (germline): Uncertain significance (1 of 4 stars; one submission).

Conditions:
Ataxia-telangiectasia syndrome (AT). Also called: LOUIS-BAR SYNDROME; AT, COMPLEMENTATION GROUP C; ATAXIA-TELANGIECTASIA, COMPLEMENTATION GROUP A; ATAXIA-TELANGIECTASIA, FRESNO VARIANT; Ataxia-telangiectasia; Cerebello-oculocutaneous telangiectasia. Identifiers: Orphanet 100, MedGen C0004135, MONDO:0008840, OMIM 208900.

Submission:

Labcorp Genetics (formerly Invitae), Labcorp
Classification: Uncertain significance for Ataxia-telangiectasia syndrome. Last evaluated: 2024-01-29. Review status: criteria provided, single submitter. Criteria: Invitae Variant Classification Sherloc (09022015). Collection method: clinical testing. Allele origin: germline.
Comment: This sequence change replaces asparagine, which is neutral and polar, with threonine, which is neutral and polar, at codon 1062 of the ATM protein (p.Asn1062Thr). This variant is not present in population databases (gnomAD no frequency). This variant has not been reported in the literature in individuals affected with ATM-related conditions. An algorithm developed to predict the effect of missense changes on protein structure and function (PolyPhen-2) suggests that this variant is likely to be tolerated. In summary, the available evidence is currently insufficient to determine the role of this variant in disease. Therefore, it has been classified as a Variant of Uncertain Significance.

NM_000051.4(ATM):c.3185A>C (p.Asn1062Thr)

Gene: ATM (ATM serine/threonine kinase; plus strand). Cytogenetic location: 11q22.3.
Variant type: single nucleotide variant.
Coding change: c.3185A>C on transcript NM_000051.4 (MANE Select); coding-DNA position 3185, A replaced by C.
Protein change: p.Asn1062Thr; replaces asparagine 1062 with threonine.
Molecular consequence: missense variant.
Genome position (GRCh38, 1-based): chr11:108,272,753, A>C. VCF-style: chr11-108272753-A-C. GRCh37 (hg19) VCF-style: chr11-108143480-A-C.
Other names: c.3185A>C, p.Asn1062Thr (NM_001351834.2); short protein forms N1062T.
Identifiers: ClinVar variation 2760507 (VCV002760507.3), dbSNP rs756292232, ClinGen allele CA382515651.